The following is an entry in ClinVar:

NM_017433.5(MYO3A):c.2090T>G (p.Leu697Trp)

Gene: MYO3A (myosin IIIA; plus strand). Cytogenetic location: 10p12.1.
Variant type: single nucleotide variant.
Coding change: c.2090T>G on transcript NM_017433.5 (MANE Select); coding-DNA position 2090, T replaced by G.
Protein change: p.Leu697Trp; replaces leucine 697 with tryptophan.
Molecular consequence: missense variant.
Genome position (GRCh38, 1-based): chr10:26,125,584, T>G. VCF-style: chr10-26125584-T-G. GRCh37 (hg19) VCF-style: chr10-26414513-T-G.
Other names: short protein forms L697W.
Identifiers: ClinVar variation 617675 (VCV000617675.9), dbSNP rs1564573788, ClinGen allele CA376341707.

ClinVar aggregate classification (germline): Pathogenic. Review status: criteria provided, multiple submitters, no conflicts (2 of 4 stars). 5 submissions from 4 submitters: Pathogenic (4). 1 of the submissions does not count toward it. Last evaluated 2026-01-11.

Conditions:
Hearing loss, autosomal dominant 90. Also called: Deafness, autosomal dominant 90. Identifiers: MedGen C5935579, MONDO:0958232, OMIM 620722.
Nonsyndromic genetic hearing loss. Also called: Nonsyndromic hearing loss and deafness; Non-syndromic genetic deafness; Nonsyndromic genetic deafness. Identifiers: Orphanet 87884, MedGen C5680182, MONDO:0019497.
nonsyndromic sensorineural hearing loss. Identifiers: MedGen C1842137, MeSH C537845.

Submissions (5):

Dasa
Classification: Pathogenic. Last evaluated: 2026-01-11. Review status: criteria provided, single submitter. Criteria: DASA Assertion Criteria. Collection method: clinical testing. Allele origin: germline.
Comment: NM_017433.5(MYO3A):c.2090T>G (p.Leu697Trp) is a missense variant that results in the substitution of leucine with tryptophan. Functional evidence supports a deleterious effect on the gene or gene product (PMID: 29880844; PMID: 33953343; PMID: 35580552; PMID: 34788109). This variant has been recurrently observed in individuals with related phenotype (PMID: 29880844; PMID: 33953343; PMID: 35580552; PMID: 34788109). Segregation evidence has been reported in affected families. Multiple computational predictions support a deleterious effect on the gene or gene product. Based on the available data, this variant is classified as pathogenic.

Laboratory of Human Genetics, Institute of Biosciences - University of Sao Paulo
Classification: Pathogenic for nonsyndromic sensorineural hearing loss. Last evaluated: 2020-11-24. Review status: criteria provided, single submitter. Criteria: ACMG Guidelines, 2015. Collection method: research. Allele origin: germline. Inheritance: Autosomal dominant inheritance. Affected: yes. Observed: 10 variant alleles, 10 heterozygotes. Clinical features observed: Nonsyndromic sensorineural hearing loss.
Comment: We previously described (PMID: 29880844) the c.2090T>G (p.Leu697Trp; NM_017433.5; VCV000617675.1) variant in the MYO3A gene segregating with nonsyndromic late-onset progressive hearing loss in 36 affected subjects from two unrelated families (referred as Families 1 and 2 in this study Through functional studies, we demonstrated the dominant negative effect of this variant. Screening the variant in a collection of 101 Brazilian pedigrees presenting autosomal dominant nonsyndromic hearing loss revealed three additional familial cases of this variant, two from the Otorhinolaryngology Lab - LIM32 and one from Laboratory of Human Genetics, Institute of Biosciences - University of Sao Paulo. In addition, a Dutch family was also identified by Human Genetics - Radboudumc. The description of the four additional cases (3 from Brazil and 1 from The Netherlands) are at final revision for publishing in EJHG.

GeneDx
Classification: Pathogenic. Last evaluated: 2020-08-31. Review status: criteria provided, single submitter. Criteria: GeneDx Variant Classification Process June 2021. Collection method: clinical testing. Allele origin: germline. Affected: yes.
Comment: Published functional studies demonstrate that L697W results in the displacement of wild-type protein, suggestive of a dominant negative effect (Dantas et al., 2018); Not observed in large population cohorts (Lek et al., 2016); In silico analysis supports that this missense variant has a deleterious effect on protein structure/function; This variant is associated with the following publications: (PMID: 29880844)

Laboratory of Human Genetics, Institute of Biosciences - University of Sao Paulo
Classification: Pathogenic for Nonsyndromic hearing loss and deafness. Review status: criteria provided, single submitter. Criteria: Submitter's publication. Collection method: clinical testing. Allele origin: somatic. Inheritance: Autosomal dominant inheritance. Affected: yes. Observed: 1 heterozygote.
Comment: The c.2090T>G p.Leu697Trp variant in MYO3A gene has been described in two unrelated Brazilian families with autosomal dominant hearing loss. This variant segregated in 36 affected individuals form these two families. Functional studies revealed a decrease of function of the mutated protein, so that the elongation of stereocilia of cochlea hair cells is impaired when the mutant and wild type proteins are expressed together. Thus, a dominant negative effect of the mutated protein on the wild type protein has been characterized.

OMIM
Classification: Pathogenic for DEAFNESS, AUTOSOMAL DOMINANT 90. Last evaluated: 2024-02-16. Review status: no assertion criteria provided. Collection method: literature only. Allele origin: germline. Not counted in ClinVar's aggregate classification.

Literature cited by the submitters: PubMed 29880844 (cited by 3 submitters); PubMed 33953343 (cited by Dasa); PubMed 35580552 (cited by Dasa); PubMed 34788109 (cited by Dasa and OMIM).